The following is an entry in ClinVar:

ClinVar aggregate classification (germline): Conflicting classifications of pathogenicity. Review status: criteria provided, conflicting classifications (1 of 4 stars). 4 submissions from 4 submitters: Uncertain significance (1); Benign (2); Likely benign (1). Last evaluated 2026-01-08.

Conditions:
Pseudohypoparathyroidism type 1B (PHP1B). Also called: Pseudohypoparathyroidism Type IB; PHP IB; Pseudohypoparathyroidism Ib (PHP-Ib). Identifiers: Orphanet 94089, MedGen C1864100, MONDO:0011301, OMIM 603233.

Allele frequency attached by ClinVar (database versions not stated): ESP Exome Variant Server 0.00070; gnomAD 0.00094 and 0.00098; gnomAD exomes 0.00094 and 0.00120; TOPMed 0.00096; ExAC 0.00116.
gnomAD v4.1: 1,552 of 1,612,058 alleles (0.096%); highest among the groups gnomAD compares: Middle Eastern, 0.41%; 5 homozygotes.

Submissions (4):

Labcorp Genetics (formerly Invitae), Labcorp
Classification: Likely benign. Last evaluated: 2026-01-08. Review status: criteria provided, single submitter. Criteria: Invitae Variant Classification Sherloc (09022015). Collection method: clinical testing. Allele origin: germline.

Blueprint Genetics
Classification: Benign. Last evaluated: 2024-11-14. Review status: criteria provided, single submitter. Criteria: ACMG Guidelines, 2015. Collection method: clinical testing. Allele origin: germline.

Illumina Laboratory Services, Illumina
Classification: Benign for Pseudohypoparathyroidism type 1B. Last evaluated: 2018-01-12. Review status: criteria provided, single submitter. Criteria: ICSL Variant Classification Criteria 13 December 2019. Collection method: clinical testing. Allele origin: germline.
Comment: This variant was observed in the ICSL laboratory as part of a predisposition screen in an ostensibly healthy population. It had not been previously curated by ICSL or reported in the Human Gene Mutation Database (HGMD: prior to June 1st, 2018), and was therefore a candidate for classification through an automated scoring system. Utilizing variant allele frequency, disease prevalence and penetrance estimates, and inheritance mode, an automated score was calculated to assess if this variant is too frequent to cause the disease. Based on the score and internal cut-off values, a variant classified as benign is not then subjected to further curation. The score for this variant resulted in a classification of benign for this disease.

Genetic Services Laboratory, University of Chicago
Classification: Uncertain significance. Last evaluated: 2016-11-07. Review status: criteria provided, single submitter. Criteria: ACMG Guidelines, 2015. Collection method: clinical testing. Allele origin: germline. Affected: no.

NM_001001433.3(STX16):c.456G>T (p.Glu152Asp)

Genes: STX16 (syntaxin 16; plus strand), STX16-NPEPL1 (STX16-NPEPL1 readthrough (NMD candidate); plus strand). Cytogenetic location: 20q13.32.
Variant type: single nucleotide variant.
Coding change: c.456G>T on transcript NM_001001433.3 (MANE Select); coding-DNA position 456, G replaced by T.
Protein change: p.Glu152Asp; replaces glutamic acid 152 with aspartic acid.
Molecular consequence: missense variant. On other transcripts: non-coding transcript variant (1).
Genome position (GRCh38, 1-based): chr20:58,669,353, G>T. VCF-style: chr20-58669353-G-T. GRCh37 (hg19) VCF-style: chr20-57244409-G-T.
Other names: c.444G>T, p.Glu148Asp (NM_001134772.3); c.405G>T, p.Glu135Asp (NM_001134773.3); c.297G>T, p.Glu99Asp (NM_001204868.2); c.393G>T, p.Glu131Asp (NM_003763.6); short protein forms E152D, E99D, E131D, E135D, E148D.
Identifiers: ClinVar variation 339049 (VCV000339049.18), dbSNP rs138647604, ClinGen allele CA9925324.